The following is an entry in ClinVar:

NM_020964.3(EPG5):c.6792G>T (p.Met2264Ile)

Gene: EPG5 (ectopic P-granules 5 autophagy tethering factor; minus strand). Cytogenetic location: 18q12.3.
Variant type: single nucleotide variant.
Coding change: c.6792G>T on transcript NM_020964.3 (MANE Select); coding-DNA position 6792, G replaced by T.
Protein change: p.Met2264Ile; replaces methionine 2264 with isoleucine.
Molecular consequence: missense variant.
Genome position (GRCh38, 1-based): chr18:45,860,321, C>A on the plus strand (G>T on the coding strand, the complement: EPG5 is on the minus strand). VCF-style: chr18-45860321-C-A. GRCh37 (hg19) VCF-style: chr18-43440286-C-A.
Other names: c.6792G>T, p.Met2264Ile (LRG_1234t1); short protein forms M2264I.
Identifiers: ClinVar variation 534595 (VCV000534595.11), dbSNP rs547681142, ClinGen allele CA8948145.

ClinVar aggregate classification (germline): Uncertain significance. Review status: criteria provided, multiple submitters, no conflicts (2 of 4 stars). 3 submissions from 3 submitters: Uncertain significance (3). Last evaluated 2025-11-20.

Conditions:
Inborn genetic diseases. Identifiers: MedGen C0950123, MeSH D030342.
Vici syndrome (VICIS). Identifiers: Orphanet 1493, MedGen C1855772, MONDO:0009452, OMIM 242840.

Allele frequency attached by ClinVar (database versions not stated): gnomAD 0.00013 and 0.00014; 1000 Genomes Project 0.00020; TOPMed 0.00029; gnomAD exomes 0.00001 and 0.00004; ExAC 0.00001; 1000 Genomes Project 30x 0.00016.
gnomAD v4.1: 48 of 1,614,224 alleles (0.003%); highest among the groups gnomAD compares: Admixed American, 0.068%; no homozygotes.

Submissions (3):

Ambry Genetics
Classification: Uncertain significance for Inborn genetic diseases. Last evaluated: 2025-11-20. Review status: criteria provided, single submitter. Criteria: Ambry Variant Classification Scheme 2023. Collection method: clinical testing. Allele origin: germline.

Labcorp Genetics (formerly Invitae), Labcorp
Classification: Uncertain significance for Vici syndrome. Last evaluated: 2025-01-15. Review status: criteria provided, single submitter. Criteria: Invitae Variant Classification Sherloc (09022015). Collection method: clinical testing. Allele origin: germline.
Comment: This sequence change replaces methionine, which is neutral and non-polar, with isoleucine, which is neutral and non-polar, at codon 2264 of the EPG5 protein (p.Met2264Ile). This variant is present in population databases (rs547681142, gnomAD 0.01%). This variant has not been reported in the literature in individuals affected with EPG5-related conditions. ClinVar contains an entry for this variant (Variation ID: 534595). Invitae Evidence Modeling of protein sequence and biophysical properties (such as structural, functional, and spatial information, amino acid conservation, physicochemical variation, residue mobility, and thermodynamic stability) indicates that this missense variant is not expected to disrupt EPG5 protein function with a negative predictive value of 80%. In summary, the available evidence is currently insufficient to determine the role of this variant in disease. Therefore, it has been classified as a Variant of Uncertain Significance.

GeneDx
Classification: Uncertain significance. Last evaluated: 2024-04-25. Review status: criteria provided, single submitter. Criteria: GeneDx Variant Classification Process June 2021. Collection method: clinical testing. Allele origin: germline. Affected: yes.
Comment: Not observed at significant frequency in large population cohorts (gnomAD); In silico analysis indicates that this missense variant does not alter protein structure/function; Has not been previously published as pathogenic or benign to our knowledge